The following is an entry in ClinVar:

ClinVar aggregate classification (germline): Likely benign (0 of 4 stars; one submission).

Conditions:
ERI1-related disorder. Also called: ERI1-related condition.

Submission:

PreventionGenetics, part of Exact Sciences
Classification: Likely benign for ERI1-related condition. Last evaluated: 2019-03-20. Review status: no assertion criteria provided. Collection method: clinical testing. Allele origin: germline.
Comment: This variant is classified as likely benign based on ACMG/AMP sequence variant interpretation guidelines (Richards et al. 2015 PMID: 25741868, with internal and published modifications).

NM_153332.4(ERI1):c.109-11_109-6del

Gene: ERI1 (exoribonuclease 1). Cytogenetic location: 8p23.1.
Variant type: Duplication.
Coding change: c.109-11_109-6del on transcript NM_153332.4 (MANE Select); 11 bases into the intron before coding-DNA position 109 through 6 bases into the intron before coding-DNA position 109, this stretch deleted.
Molecular consequence: intron variant.
Genome position: GRCh38 VCF-style: chr8-9007935-CTTTTTT-C. GRCh37 (hg19) VCF-style: chr8-8865445-CTTTTTT-C.
Other names: c.109-11_109-6del (NM_001354638.2); c.-416-11_-416-6del (NM_001354636.2); c.-126-11_-126-6del (NM_001354635.2).
Identifiers: ClinVar variation 3037479 (VCV003037479.2), dbSNP rs556702690, ClinGen allele CA856693711.
Genomic context (GRCh38, chr8:9,007,935, plus strand): 5'-AGAAGTTTGAAAGTTTGAATCTTTAAATCTGTGATGTTTGTACTAATTATAAACTACATC[CTTTTTT>C]TTTTTTTTTTTTTTTTTTTTTTTGGTAGGAAACTCAACAGTGTAAATTTGATGGCCAGGA-3'